The following is an entry in ClinVar:

ClinVar aggregate classification (germline): Uncertain significance (1 of 4 stars; one submission).

Submission:

Labcorp Genetics (formerly Invitae), Labcorp
Classification: Uncertain significance. Last evaluated: 2022-02-22. Review status: criteria provided, single submitter. Criteria: Invitae Variant Classification Sherloc (09022015). Collection method: clinical testing. Allele origin: germline.
Comment: This sequence change replaces valine, which is neutral and non-polar, with methionine, which is neutral and non-polar, at codon 38 of the SEPT9 protein (p.Val38Met). In summary, the available evidence is currently insufficient to determine the role of this variant in disease. Therefore, it has been classified as a Variant of Uncertain Significance. Algorithms developed to predict the effect of missense changes on protein structure and function are either unavailable or do not agree on the potential impact of this missense change (SIFT: "Deleterious"; PolyPhen-2: "Probably Damaging"; Align-GVGD: "Class C0"). This variant has not been reported in the literature in individuals affected with SEPT9-related conditions. This variant is not present in population databases (gnomAD no frequency).

NM_001113491.2(SEPTIN9):c.166G>A (p.Val56Met)

Gene: SEPTIN9 (septin 9; plus strand). Cytogenetic location: 17q25.3.
Variant type: single nucleotide variant.
Coding change: c.166G>A on transcript NM_001113491.2 (MANE Select); coding-DNA position 166, G replaced by A.
Protein change: p.Val56Met; replaces valine 56 with methionine.
Molecular consequence: missense variant. On other transcripts: 5 prime UTR variant (2).
Genome position (GRCh38, 1-based): chr17:77,402,148, G>A. VCF-style: chr17-77402148-G-A. GRCh37 (hg19) VCF-style: chr17-75398230-G-A.
Other names: c.-327G>A (NM_001113492.2, NM_001113494.1); c.145G>A, p.Val49Met (NM_001113493.2); c.109G>A, p.Val37Met (NM_001293695.2); c.112G>A, p.Val38Met (NM_006640.5); short protein forms V37M, V38M, V49M, V56M.
Identifiers: ClinVar variation 2445572 (VCV002445572.4), dbSNP rs2509883592, ClinGen allele CA401205616.